The following is an entry in ClinVar:

ClinVar aggregate classification (germline): Uncertain significance (1 of 4 stars; one submission).

Conditions:
Donnai-Barrow syndrome. Also called: DBS/FOAR SYNDROME; FACIOOCULOACOUSTICORENAL SYNDROME. Identifiers: Orphanet 2143, MedGen C1857277, MONDO:0009104, OMIM 222448.

Submission:

Juno Genomics, Hangzhou Juno Genomics, Inc
Classification: Uncertain significance for Donnai-Barrow syndrome. Review status: criteria provided, single submitter. Criteria: ACMG Guidelines, 2015. Collection method: clinical testing. Allele origin: germline.
Comment: Absent from controls (or at extremely low frequency if recessive) in Genome Aggregation Database.;Multiple lines of computational evidence support a deleterious effect on the gene or gene product.;Missense variant in a gene that has a low rate of benign missense variation.

NM_004525.3(LRP2):c.10457G>A (p.Gly3486Glu)

Gene: LRP2 (LDL receptor related protein 2; minus strand). Cytogenetic location: 2q31.1.
Variant type: single nucleotide variant.
Coding change: c.10457G>A on transcript NM_004525.3 (MANE Select); coding-DNA position 10457, G replaced by A.
Protein change: p.Gly3486Glu; replaces glycine 3486 with glutamic acid.
Molecular consequence: missense variant.
Genome position (GRCh38, 1-based): chr2:169,176,525, C>T on the plus strand (G>A on the coding strand, the complement: LRP2 is on the minus strand). VCF-style: chr2-169176525-C-T. GRCh37 (hg19) VCF-style: chr2-170033035-C-T.
Other names: short protein forms G3486E.
Identifiers: ClinVar variation 5019963 (VCV005019963.2).